The following is an entry in ClinVar:

NM_001375567.1(FOCAD):c.4831C>T (p.Arg1611Cys)

Gene: FOCAD (focadhesin; plus strand). Cytogenetic location: 9p21.3.
Variant type: single nucleotide variant.
Coding change: c.4831C>T on transcript NM_001375567.1 (MANE Select); coding-DNA position 4831, C replaced by T.
Protein change: p.Arg1611Cys; replaces arginine 1611 with cysteine.
Molecular consequence: missense variant.
Genome position (GRCh38, 1-based): chr9:20,986,390, C>T. VCF-style: chr9-20986390-C-T. GRCh37 (hg19) VCF-style: chr9-20986389-C-T.
Other names: c.4726C>T, p.Arg1576Cys (NM_001375568.1, NM_001375570.1); c.4831C>T, p.Arg1611Cys (NM_017794.5); short protein forms R1576C, R1611C.
Identifiers: ClinVar variation 2912519 (VCV002912519.3), dbSNP rs771565092, ClinGen allele CA5008070.
Genomic context (GRCh38, chr9:20,986,390, plus strand): 5'-TCTCAAGGACGATTCCCCTTGGTGAACCTGACCGATATGCTGAGCGTTGCTGTGCAGCAC[C>T]GTGAGAAAGAGGTGTTGGCCTGGATGATTCTGCACAGCTTATACCAGGCACGGATTGTGA-3'
Protein context (NP_001362496.1, residues 1601-1621): TDMLSVAVQH[Arg1611Cys]EKEVLAWMIL

ClinVar aggregate classification (germline): Uncertain significance (1 of 4 stars; one submission).

Allele frequency attached by ClinVar (database versions not stated): gnomAD 0.00003; TOPMed 0.00003; ExAC 0.00002.
gnomAD v4.1: 79 of 1,611,260 alleles (0.0049%); highest among the groups gnomAD compares: Non-Finnish European, 0.0059%; no homozygotes.

Submission:

Labcorp Genetics (formerly Invitae), Labcorp
Classification: Uncertain significance. Last evaluated: 2025-04-28. Review status: criteria provided, single submitter. Criteria: Invitae Variant Classification Sherloc (09022015). Collection method: clinical testing. Allele origin: germline.
Comment: This sequence change replaces arginine, which is basic and polar, with cysteine, which is neutral and slightly polar, at codon 1611 of the FOCAD protein (p.Arg1611Cys). This variant is present in population databases (rs771565092, gnomAD 0.005%). This variant has not been reported in the literature in individuals affected with FOCAD-related conditions. ClinVar contains an entry for this variant (Variation ID: 2912519). In summary, the available evidence is currently insufficient to determine the role of this variant in disease. Therefore, it has been classified as a Variant of Uncertain Significance.